The following is an entry in ClinVar:

ClinVar aggregate classification (germline): Likely benign (1 of 4 stars; one submission).

Submission:

CeGaT Center for Human Genetics Tuebingen
Classification: Likely benign. Last evaluated: 2026-05-01. Review status: criteria provided, single submitter. Criteria: CeGaT Center For Human Genetics Tuebingen Variant Classification Criteria Version 2. Collection method: clinical testing. Allele origin: germline. Affected: yes. Observed: 4 variant alleles.
Comment: RIMS1: PM2:Supporting, BP4, BP7

NM_014989.7(RIMS1):c.1590G>T (p.Val530=)

Genes: RIMS1 (regulating synaptic membrane exocytosis 1; plus strand), LOC129996709 (ATAC-STARR-seq lymphoblastoid active region 24736; plus strand). Cytogenetic location: 6q13.
Variant type: single nucleotide variant.
Coding change: c.1590G>T on transcript NM_014989.7 (MANE Select); coding-DNA position 1590, G replaced by T.
Protein change: p.Val530=; no amino-acid change (valine 530 retained).
Molecular consequence: synonymous variant.
Genome position (GRCh38, 1-based): chr6:72,183,061, G>T. VCF-style: chr6-72183061-G-T. GRCh37 (hg19) VCF-style: chr6-72892764-G-T.
Identifiers: ClinVar variation 4822689 (VCV004822689.4).
Genomic context (GRCh38, chr6:72,183,061, plus strand): 5'-GCCGTCCCCGCCCAAGCCGCACCGGTCCAAGAGAGGCGGCAAGAAGCGGCAGATGTCGGT[G>T]AGCAGCTCTGAGGAGGAGGGCGTGTCGACGCCCGAGTACACCAGCTGCGAGGACGTGGAG-3'
Protein context (NP_055804.2, residues 520-540): KRGGKKRQMS[Val530=]SSSEEEGVST